The following is an entry in ClinVar:

NM_004560.4(ROR2):c.1153C>T (p.Arg385Cys)

Gene: ROR2 (ROR family WNT receptor 2; minus strand). Cytogenetic location: 9q22.31.
Variant type: single nucleotide variant.
Coding change: c.1153C>T on transcript NM_004560.4 (MANE Select); coding-DNA position 1153, C replaced by T.
Protein change: p.Arg385Cys; replaces arginine 385 with cysteine.
Molecular consequence: missense variant. On other transcripts: intron variant (1).
Genome position (GRCh38, 1-based): chr9:91,730,940, G>A on the plus strand (C>T on the coding strand, the complement: ROR2 is on the minus strand). VCF-style: chr9-91730940-G-A. GRCh37 (hg19) VCF-style: chr9-94493222-G-A.
Other names: c.1153C>T (NM_004560.3); c.1149+4C>T (NM_001318204.2); short protein forms R385C.
Identifiers: ClinVar variation 286940 (VCV000286940.6), dbSNP rs777538346, ClinGen allele CA5120784.

ClinVar aggregate classification (germline): Uncertain significance. Review status: criteria provided, multiple submitters, no conflicts (2 of 4 stars). 2 submissions from 2 submitters: Uncertain significance (2). Last evaluated 2025-08-11.

Conditions:
ROR2-related disorder. Also called: ROR2-related condition; ROR2-related disorders.

Allele frequency attached by ClinVar (database versions not stated): gnomAD exomes below 0.00001 and 0.00001; TOPMed below 0.00001; ExAC 0.00001; gnomAD 0.00001.
gnomAD v4.1: 9 of 1,614,030 alleles (0.00056%); highest among the groups gnomAD compares: South Asian, 0.0011%; no homozygotes.

Submissions (2):

PreventionGenetics, part of Exact Sciences
Classification: Uncertain significance for ROR2-related condition. Last evaluated: 2025-08-11. Review status: criteria provided, single submitter. Criteria: ACMG Guidelines, 2015. Collection method: clinical testing. Allele origin: germline.
Comment: The ROR2 c.1153C>T variant is predicted to result in the amino acid substitution p.Arg385Cys. To our knowledge, this variant has not been reported in the literature. This variant is reported in 0.0033% of alleles in individuals of South Asian descent in gnomAD. At this time, the clinical significance of this variant is uncertain due to the absence of conclusive functional and genetic evidence.

Eurofins Ntd Llc (ga)
Classification: Uncertain significance. Last evaluated: 2016-04-07. Review status: criteria provided, single submitter. Criteria: EGL Classification Definitions 2015. Collection method: clinical testing. Allele origin: germline. Observed: 1 variant allele, 1 heterozygote.